The following is an entry in ClinVar:

NM_000138.5(FBN1):c.7225A>G (p.Ile2409Val)

Gene: FBN1 (fibrillin 1; minus strand). Cytogenetic location: 15q21.1.
Variant type: single nucleotide variant.
Coding change: c.7225A>G on transcript NM_000138.5 (MANE Select); coding-DNA position 7225, A replaced by G.
Protein change: p.Ile2409Val; replaces isoleucine 2409 with valine.
Molecular consequence: missense variant.
Genome position (GRCh38, 1-based): chr15:48,425,844, T>C on the plus strand (A>G on the coding strand, the complement: FBN1 is on the minus strand). VCF-style: chr15-48425844-T-C. GRCh37 (hg19) VCF-style: chr15-48718041-T-C.
Other names: c.7225A>G, p.Ile2409Val (NM_001406716.1); short protein forms I2409V.
Identifiers: ClinVar variation 3070596 (VCV003070596.2), dbSNP rs2505408379, ClinGen allele CA392328808.

ClinVar aggregate classification (germline): Uncertain significance. Review status: criteria provided, multiple submitters, no conflicts (2 of 4 stars). 2 submissions from 2 submitters: Uncertain significance (2). Last evaluated 2025-07-06.

Conditions:
Marfan syndrome (MFS). Also called: MARFAN SYNDROME, TYPE I; Marfan syndrome type 1; Marfan's syndrome; Marfan syndrome, classic; FBN1-Related Marfan Syndrome. Identifiers: Orphanet 284963, Orphanet 558, MedGen C0024796, MONDO:0007947, OMIM 154700.
Familial thoracic aortic aneurysm and aortic dissection (TAAD). Also called: Thoracic aortic aneurysms and dissections. Identifiers: Orphanet 91387, MedGen C4707243, MONDO:0019625.

Submissions (2):

Labcorp Genetics (formerly Invitae), Labcorp
Classification: Uncertain significance for Marfan syndrome; Familial thoracic aortic aneurysm and aortic dissection. Last evaluated: 2025-07-06. Review status: criteria provided, single submitter. Criteria: Invitae Variant Classification Sherloc (09022015). Collection method: clinical testing. Allele origin: germline.
Comment: This sequence change replaces isoleucine, which is neutral and non-polar, with valine, which is neutral and non-polar, at codon 2409 of the FBN1 protein (p.Ile2409Val). This variant is not present in population databases (gnomAD no frequency). This variant has not been reported in the literature in individuals affected with FBN1-related conditions. ClinVar contains an entry for this variant (Variation ID: 3070596). Invitae Evidence Modeling of protein sequence and biophysical properties (such as structural, functional, and spatial information, amino acid conservation, physicochemical variation, residue mobility, and thermodynamic stability) indicates that this missense variant is not expected to disrupt FBN1 protein function with a negative predictive value of 95%. In summary, the available evidence is currently insufficient to determine the role of this variant in disease. Therefore, it has been classified as a Variant of Uncertain Significance.

All of Us Research Program, National Institutes of Health
Classification: Uncertain significance for Marfan syndrome. Last evaluated: 2023-04-27. Review status: criteria provided, single submitter. Criteria: ACMG Guidelines, 2015. Collection method: clinical testing. Allele origin: germline. Inheritance: Autosomal dominant inheritance. Observed: 1 variant allele, 1 heterozygote.
Comment: This study involves interpretation of variants in research participants for the purpose of population health screening. Participant phenotype was not available at the time of variant classification. Additional details can be found in publication PMID: 35346344, PMCID: PMC8962531